The following is an entry in ClinVar:

NM_001009944.3(PKD1):c.5494G>A (p.Gly1832Ser)

Gene: PKD1 (polycystin 1, transient receptor potential channel interacting; minus strand). Cytogenetic location: 16p13.3.
Variant type: single nucleotide variant.
Coding change: c.5494G>A on transcript NM_001009944.3 (MANE Select); coding-DNA position 5494, G replaced by A.
Protein change: p.Gly1832Ser; replaces glycine 1832 with serine.
Molecular consequence: missense variant.
Genome position (GRCh38, 1-based): chr16:2,109,673, C>T on the plus strand (G>A on the coding strand, the complement: PKD1 is on the minus strand). VCF-style: chr16-2109673-C-T. GRCh37 (hg19) VCF-style: chr16-2159674-C-T.
Other names: c.5494G>A (NM_001009944.2); c.5494G>A, p.Gly1832Ser (NM_000296.4); short protein forms G1832S.
Identifiers: ClinVar variation 1330258 (VCV001330258.3), dbSNP rs2151792963, ClinGen allele CA394376628.

ClinVar aggregate classification (germline): Conflicting classifications of pathogenicity. Review status: criteria provided, conflicting classifications (1 of 4 stars). 3 submissions from 3 submitters: Likely pathogenic (1); Uncertain significance (2). Last evaluated 2025-07-25.

Conditions:
PKD1-related disorder. Also called: PKD1-related condition.
Polycystic kidney disease, adult type (PKD1). Also called: POLYCYSTIC KIDNEY DISEASE, ADULT, TYPE I; Polycystic Kidney Disease 1, Autosomal Dominant; Polycystic kidney disease 1; Polycystic kidney disease 1, severe; Polycystic Kidney, Autosomal Dominant; POLYCYSTIC KIDNEY DISEASE 1 WITH OR WITHOUT POLYCYSTIC LIVER DISEASE. Identifiers: MedGen C3149841, MONDO:0008263, OMIM 173900.

Submissions (3):

PreventionGenetics, part of Exact Sciences
Classification: Uncertain significance for PKD1-related condition. Last evaluated: 2025-07-25. Review status: criteria provided, single submitter. Criteria: ACMG Guidelines, 2015. Collection method: clinical testing. Allele origin: germline.
Comment: The PKD1 c.5494G>A variant is predicted to result in the amino acid substitution p.Gly1832Ser. This variant has been reported in an individual with polycystic kidney disease and congenital hepatic fibrosis, who also carried two variants of uncertain significance in PKD1 and ATP7B (Jiang et al. 2019. PubMed ID: 31096464). It has not been reported in a large population database (gnomAD), indicating this variant is rare. At this time, the clinical significance of this variant is uncertain due to the absence of conclusive functional and genetic evidence.

Fulgent Genetics
Classification: Likely pathogenic for Polycystic kidney disease, adult type. Last evaluated: 2024-05-14. Review status: criteria provided, single submitter. Criteria: ACMG Guidelines, 2015. Collection method: clinical testing. Allele origin: germline.

MVZ Martinsried, Medicover Genetics
Classification: Uncertain significance for Polycystic kidney disease, adult type. Last evaluated: 2021-08-20. Review status: criteria provided, single submitter. Criteria: ACGS Guidelines, 2020. Collection method: clinical testing. Allele origin: unknown. Affected: yes.